The following is an entry in ClinVar:

NM_000136.3(FANCC):c.164T>C (p.Met55Thr)

Gene: FANCC (FA complementation group C; minus strand). Cytogenetic location: 9q22.32.
Variant type: single nucleotide variant.
Coding change: c.164T>C on transcript NM_000136.3 (MANE Select); coding-DNA position 164, T replaced by C.
Protein change: p.Met55Thr; replaces methionine 55 with threonine.
Molecular consequence: missense variant.
Genome position (GRCh38, 1-based): chr9:95,249,128, A>G on the plus strand (T>C on the coding strand, the complement: FANCC is on the minus strand). VCF-style: chr9-95249128-A-G. GRCh37 (hg19) VCF-style: chr9-98011410-A-G.
Other names: c.164T>C, p.Met55Thr (NM_001243743.2, NM_001243744.2); short protein forms M55T.
Identifiers: ClinVar variation 409650 (VCV000409650.8), dbSNP rs1060502513, ClinGen allele CA16612636.

ClinVar aggregate classification (germline): Uncertain significance (1 of 4 stars; one submission).

Conditions:
Fanconi anemia (FA). Also called: Fanconi's anemia. Identifiers: Orphanet 84, MedGen C0015625, MeSH D005199, MONDO:0019391.

Submission:

Labcorp Genetics (formerly Invitae), Labcorp
Classification: Uncertain significance for Fanconi anemia. Last evaluated: 2016-12-19. Review status: criteria provided, single submitter. Criteria: Invitae Variant Classification Sherloc (09022015). Collection method: clinical testing. Allele origin: germline.
Comment: This sequence change replaces methionine with threonine at codon 55 of the FANCC protein (p.Met55Thr). The methionine residue is highly conserved and there is a moderate physicochemical difference between methionine and threonine. This variant is not present in population databases (ExAC no frequency) and has not been reported in the literature in individuals with a FANCC-related disease. In summary, this variant is a novel missense change with uncertain impact on protein function. It has been classified as a Variant of Uncertain Significance. Algorithms developed to predict the effect of missense changes on protein structure and function (SIFT, PolyPhen-2, Align-GVGD) all suggest that this variant is likely to be disruptive, but these predictions have not been confirmed by published functional studies.